The following is an entry in ClinVar:

NM_002055.5(GFAP):c.575C>T (p.Ser192Leu)

Gene: GFAP (glial fibrillary acidic protein; minus strand). Cytogenetic location: 17q21.31.
Variant type: single nucleotide variant.
Coding change: c.575C>T on transcript NM_002055.5 (MANE Select); coding-DNA position 575, C replaced by T.
Protein change: p.Ser192Leu; replaces serine 192 with leucine.
Molecular consequence: missense variant.
Genome position (GRCh38, 1-based): chr17:44,913,771, G>A on the plus strand (C>T on the coding strand, the complement: GFAP is on the minus strand). VCF-style: chr17-44913771-G-A. GRCh37 (hg19) VCF-style: chr17-42991139-G-A.
Other names: c.575C>T, p.Ser192Leu (NM_001131019.3, NM_001242376.3, NM_001363846.2); short protein forms S192L.
Identifiers: ClinVar variation 2511738 (VCV002511738.5), dbSNP rs371490189, ClinGen allele CA8608963.

ClinVar aggregate classification (germline): Uncertain significance. Review status: criteria provided, multiple submitters, no conflicts (2 of 4 stars). 2 submissions from 2 submitters: Uncertain significance (2). Last evaluated 2023-03-29.

Conditions:
Inborn genetic diseases. Identifiers: MedGen C0950123, MeSH D030342.

Allele frequency attached by ClinVar (database versions not stated): TOPMed below 0.00001; ExAC 0.00001; gnomAD exomes 0.00001.
gnomAD v4.1: 8 of 1,614,016 alleles (0.0005%); highest among the groups gnomAD compares: East Asian, 0.0045%; no homozygotes.

Submissions (2):

Ambry Genetics
Classification: Uncertain significance for Inborn genetic diseases. Last evaluated: 2023-03-29. Review status: criteria provided, single submitter. Criteria: Ambry Variant Classification Scheme 2023. Collection method: clinical testing. Allele origin: germline.

Labcorp Genetics (formerly Invitae), Labcorp
Classification: Uncertain significance. Last evaluated: 2023-01-25. Review status: criteria provided, single submitter. Criteria: Invitae Variant Classification Sherloc (09022015). Collection method: clinical testing. Allele origin: germline.
Comment: In summary, the available evidence is currently insufficient to determine the role of this variant in disease. Therefore, it has been classified as a Variant of Uncertain Significance. Advanced modeling of protein sequence and biophysical properties (such as structural, functional, and spatial information, amino acid conservation, physicochemical variation, residue mobility, and thermodynamic stability) has been performed at Invitae for this missense variant, however the output from this modeling did not meet the statistical confidence thresholds required to predict the impact of this variant on GFAP protein function. This variant has not been reported in the literature in individuals affected with GFAP-related conditions. This variant is present in population databases (rs371490189, gnomAD 0.006%). This sequence change replaces serine, which is neutral and polar, with leucine, which is neutral and non-polar, at codon 192 of the GFAP protein (p.Ser192Leu).